The following is an entry in ClinVar:

ClinVar aggregate classification (germline): Uncertain significance. Review status: criteria provided, multiple submitters, no conflicts (2 of 4 stars). 2 submissions from 2 submitters: Uncertain significance (2). Last evaluated 2025-05-27.

Conditions:
Hereditary cancer-predisposing syndrome. Also called: Neoplastic Syndromes, Hereditary; Hereditary neoplastic syndrome; Hereditary Cancer Syndrome; Tumor predisposition. Identifiers: Orphanet 140162, MedGen C0027672, MeSH D009386, MONDO:0015356.
Gorlin syndrome. Also called: Nevoid Basal Cell Carcinoma Syndrome; Basal cell nevus syndrome. Identifiers: Orphanet 377, MedGen C0004779, MONDO:0007187.

Submissions (2):

Ambry Genetics
Classification: Uncertain significance for Hereditary cancer-predisposing syndrome. Last evaluated: 2025-05-27. Review status: criteria provided, single submitter. Criteria: Ambry Variant Classification Scheme 2023. Collection method: clinical testing. Allele origin: germline.
Comment: The p.P53H variant (also known as c.158C>A), located in coding exon 1 of the PTCH1 gene, results from a C to A substitution at nucleotide position 158. The proline at codon 53 is replaced by histidine, an amino acid with similar properties. This amino acid position is highly conserved in available vertebrate species. In addition, this alteration is predicted to be deleterious by in silico analysis. Based on the available evidence, the clinical significance of this variant remains unclear.

Labcorp Genetics (formerly Invitae), Labcorp
Classification: Uncertain significance for Gorlin syndrome. Last evaluated: 2024-04-29. Review status: criteria provided, single submitter. Criteria: Invitae Variant Classification Sherloc (09022015). Collection method: clinical testing. Allele origin: germline.
Comment: This sequence change replaces proline, which is neutral and non-polar, with histidine, which is basic and polar, at codon 53 of the PTCH1 protein (p.Pro53His). This variant is not present in population databases (gnomAD no frequency). This variant has not been reported in the literature in individuals affected with PTCH1-related conditions. ClinVar contains an entry for this variant (Variation ID: 943261). Advanced modeling of protein sequence and biophysical properties (such as structural, functional, and spatial information, amino acid conservation, physicochemical variation, residue mobility, and thermodynamic stability) has been performed at Invitae for this missense variant, however the output from this modeling did not meet the statistical confidence thresholds required to predict the impact of this variant on PTCH1 protein function. In summary, the available evidence is currently insufficient to determine the role of this variant in disease. Therefore, it has been classified as a Variant of Uncertain Significance.

NM_000264.5(PTCH1):c.158C>A (p.Pro53His)

Genes: PTCH1 (patched 1; minus strand), LOC130002133 (ATAC-STARR-seq lymphoblastoid silent region 20071; plus strand). Cytogenetic location: 9q22.32.
Variant type: single nucleotide variant.
Coding change: c.158C>A on transcript NM_000264.5 (MANE Select); coding-DNA position 158, C replaced by A.
Protein change: p.Pro53His; replaces proline 53 with histidine.
Molecular consequence: missense variant. On other transcripts: non-coding transcript variant (1), intron variant (3).
Genome position (GRCh38, 1-based): chr9:95,508,204, G>T on the plus strand (C>A on the coding strand, the complement: PTCH1 is on the minus strand). VCF-style: chr9-95508204-G-T. GRCh37 (hg19) VCF-style: chr9-98270486-G-T.
Other names: c.158C>A, p.Pro53His (NM_001354918.2); c.199-1605C>A (NM_001083603.3); c.4-1605C>A (NM_001083602.3, NM_001354919.2); short protein forms P53H.
Identifiers: ClinVar variation 943261 (VCV000943261.13), dbSNP rs372546614, ClinGen allele CA374121331.